The following is an entry in ClinVar:

ClinVar aggregate classification (germline): Likely pathogenic (1 of 4 stars; one submission).

Conditions:
Usher syndrome type 2C. Also called: USHER SYNDROME, TYPE IIC; Usher syndrome, type 2B. Identifiers: Orphanet 231178, Orphanet 886, MedGen C2931213, MONDO:0011558, OMIM 605472.

gnomAD v4.1: 1 of 1,609,854 alleles (0.000062%); highest among the groups gnomAD compares: Non-Finnish European, 0.000085%; no homozygotes.

Submission:

3billion
Classification: Likely pathogenic for Usher syndrome type 2C. Last evaluated: 2025-06-12. Review status: criteria provided, single submitter. Criteria: ACMG Guidelines, 2015. Collection method: clinical testing. Allele origin: germline. Affected: yes.
Comment: The variant is observed at an extremely low frequency in the gnomAD v4.1.0 dataset (total allele frequency: <0.001%). Predicted Consequence/Location: Stop-gained (nonsense): predicted to result in a loss or disruption of normal protein function through nonsense-mediated decay (NMD) or protein truncation. Multiple pathogenic variants are reported downstream of the variant. The variant has been reported as of uncertain significance (PMID: 31964843). Therefore, this variant is classified as Likely pathogenic according to the recommendation of ACMG/AMP guideline.

NM_032119.4(ADGRV1):c.5709G>A (p.Trp1903Ter)

Gene: ADGRV1 (adhesion G protein-coupled receptor V1; plus strand). Cytogenetic location: 5q14.3.
Variant type: single nucleotide variant.
Coding change: c.5709G>A on transcript NM_032119.4 (MANE Select); coding-DNA position 5709, G replaced by A.
Protein change: p.Trp1903Ter; replaces tryptophan 1903 with a stop codon.
Molecular consequence: nonsense. On other transcripts: non-coding transcript variant (1).
Genome position (GRCh38, 1-based): chr5:90,683,630, G>A. VCF-style: chr5-90683630-G-A. GRCh37 (hg19) VCF-style: chr5-89979447-G-A.
Other names: short protein forms W1903*.
Identifiers: ClinVar variation 4856329 (VCV004856329.1).